The following is an entry in ClinVar:

ClinVar aggregate classification (germline): Likely pathogenic (1 of 4 stars; one submission).

Allele frequency attached by ClinVar (database versions not stated): gnomAD exomes below 0.00001; TOPMed below 0.00001.
gnomAD v4.1: 2 of 1,614,108 alleles (0.00012%); highest among the groups gnomAD compares: Non-Finnish European, 0.000085%; no homozygotes.

Submission:

GeneDx
Classification: Likely pathogenic. Last evaluated: 2021-02-18. Review status: criteria provided, single submitter. Criteria: GeneDx Variant Classification Process June 2021. Collection method: clinical testing. Allele origin: germline. Affected: yes.
Comment: Not observed in large population cohorts (Lek et al., 2016); Has not been previously published as pathogenic or benign to our knowledge; In-silico analysis, which includes splice predictors and evolutionary conservation, is inconclusive as to whether the variant alters gene splicing. In the absence of RNA/functional studies, the actual effect of this sequence change is unknown.

NM_015650.4(TRAF3IP1):c.124-5T>G

Gene: TRAF3IP1 (TRAF3 interacting protein 1; plus strand). Cytogenetic location: 2q37.3.
Variant type: single nucleotide variant.
Coding change: c.124-5T>G on transcript NM_015650.4 (MANE Select); 5 bases into the intron before coding-DNA position 124, T replaced by G.
Molecular consequence: intron variant.
Genome position (GRCh38, 1-based): chr2:238,325,301, T>G. VCF-style: chr2-238325301-T-G. GRCh37 (hg19) VCF-style: chr2-239233942-T-G.
Other names: c.124-5T>G (NM_001139490.1).
Identifiers: ClinVar variation 452924 (VCV000452924.4), dbSNP rs1553609359, ClinGen allele CA658657259.